The following is an entry in ClinVar:

NM_004304.5(ALK):c.2200T>C (p.Tyr734His)

Gene: ALK (ALK receptor tyrosine kinase; minus strand). Cytogenetic location: 2p23.2.
Variant type: single nucleotide variant.
Coding change: c.2200T>C on transcript NM_004304.5 (MANE Select); coding-DNA position 2200, T replaced by C.
Protein change: p.Tyr734His; replaces tyrosine 734 with histidine.
Molecular consequence: missense variant.
Genome position (GRCh38, 1-based): chr2:29,251,109, A>G on the plus strand (T>C on the coding strand, the complement: ALK is on the minus strand). VCF-style: chr2-29251109-A-G. GRCh37 (hg19) VCF-style: chr2-29473975-A-G.
Other names: short protein forms Y734H.
Identifiers: ClinVar variation 4870034 (VCV004870034.1).
Genomic context (GRCh38, chr2:29,251,109, plus strand): 5'-CCAGGCTTCTTCGGAAGGGGTGGTCTGCCCCTCCCCTCCCCCTCTTCCATACGCACCTGT[A>G]GGTGTCGGTGGCTGGCACCTTCCAGATCTGGATGCCTTTCAGGGGGCCCTCGCTCCCCAC-3'
Protein context (NP_004295.2, residues 724-744): QIWKVPATDT[Tyr734His]SISGYGAAGG

ClinVar aggregate classification (germline): Uncertain significance (1 of 4 stars; one submission).

Conditions:
Hereditary cancer-predisposing syndrome. Also called: Neoplastic Syndromes, Hereditary; Tumor predisposition; Hereditary Cancer Syndrome; Hereditary neoplastic syndrome. Identifiers: Orphanet 140162, MedGen C0027672, MeSH D009386, MONDO:0015356.

Submission:

Ambry Genetics
Classification: Uncertain significance for Hereditary cancer-predisposing syndrome. Last evaluated: 2026-04-08. Review status: criteria provided, single submitter. Criteria: Ambry Variant Classification Scheme 2023. Collection method: clinical testing. Allele origin: germline.
Comment: The p.Y734H variant (also known as c.2200T>C), located in coding exon 12 of the ALK gene, results from a T to C substitution at nucleotide position 2200. The tyrosine at codon 734 is replaced by histidine, an amino acid with similar properties. This amino acid position is conserved. In addition, this alteration is predicted to be deleterious by in silico analysis. Based on the available evidence, the clinical significance of this variant remains unclear.